The following is an entry in ClinVar:

NM_000548.5(TSC2):c.1228C>T (p.Leu410=)

Gene: TSC2 (TSC complex subunit 2; plus strand). Cytogenetic location: 16p13.3.
Variant type: single nucleotide variant.
Coding change: c.1228C>T on transcript NM_000548.5 (MANE Select); coding-DNA position 1228, C replaced by T.
Protein change: p.Leu410=; no amino-acid change (leucine 410 retained).
Molecular consequence: synonymous variant.
Genome position (GRCh38, 1-based): chr16:2,061,979, C>T. VCF-style: chr16-2061979-C-T. GRCh37 (hg19) VCF-style: chr16-2111980-C-T.
Other names: c.1228C>T (NM_000548.3); c.1228C>T, p.Leu410= (NM_001077183.3, NM_001114382.3, NM_001363528.2 and 3 more transcripts); c.1117C>T, p.Leu373= (NM_001318827.2); c.1081C>T, p.Leu361= (NM_001318829.2); c.628C>T, p.Leu210= (NM_001318831.2); c.1261C>T, p.Leu421= (NM_001318832.2).
Identifiers: ClinVar variation 1131377 (VCV001131377.11), dbSNP rs528727637, ClinGen allele CA492962042.

ClinVar aggregate classification (germline): Benign/Likely benign. Review status: criteria provided, multiple submitters, no conflicts (2 of 4 stars). 3 submissions from 3 submitters: Benign (1); Likely benign (2). Last evaluated 2025-05-13.

Conditions:
Tuberous sclerosis 2 (TSC2). Identifiers: Orphanet 805, MedGen C1860707, MONDO:0013199, OMIM 613254.
Hereditary cancer-predisposing syndrome. Also called: Neoplastic Syndromes, Hereditary; Hereditary neoplastic syndrome; Tumor predisposition; Hereditary Cancer Syndrome. Identifiers: Orphanet 140162, MedGen C0027672, MeSH D009386, MONDO:0015356.

gnomAD v4.1: 1 of 1,614,178 alleles (0.000062%); no homozygotes.

Submissions (3):

Myriad Genetics, Inc.
Classification: Benign for Tuberous sclerosis 2. Last evaluated: 2025-05-13. Review status: criteria provided, single submitter. Criteria: Myriad Autosomal Dominant, Autosomal Recessive and X-Linked Classification Criteria (2023). Collection method: clinical testing. Allele origin: unknown.
Comment: This variant is considered benign. This variant is a silent/synonymous amino acid change and it is not expected to impact splicing.

Labcorp Genetics (formerly Invitae), Labcorp
Classification: Likely benign for Tuberous sclerosis 2. Last evaluated: 2023-05-19. Review status: criteria provided, single submitter. Criteria: Invitae Variant Classification Sherloc (09022015). Collection method: clinical testing. Allele origin: germline.

Ambry Genetics
Classification: Likely benign for Hereditary cancer-predisposing syndrome. Last evaluated: 2023-01-21. Review status: criteria provided, single submitter. Criteria: Ambry Variant Classification Scheme 2023. Collection method: clinical testing. Allele origin: germline.